The following is an entry in ClinVar:

ClinVar aggregate classification (germline): Uncertain significance (0 of 4 stars; one submission).

Conditions:
GRIP1-related disorder. Also called: GRIP1-related condition.

Submission:

PreventionGenetics, part of Exact Sciences
Classification: Uncertain significance for GRIP1-related condition. Last evaluated: 2024-08-30. Review status: no assertion criteria provided. Collection method: clinical testing. Allele origin: germline.
Comment: The GRIP1 c.101A>C variant is predicted to result in the amino acid substitution p.Asp34Ala. To our knowledge, this variant has not been reported in the literature or in a large population database, indicating this variant is rare. At this time, the clinical significance of this variant is uncertain due to the absence of conclusive functional and genetic evidence.

NM_001366722.1(GRIP1):c.101A>C (p.Asp34Ala)

Gene: GRIP1 (glutamate receptor interacting protein 1; minus strand). Cytogenetic location: 12q14.3.
Variant type: single nucleotide variant.
Coding change: c.101A>C on transcript NM_001366722.1 (MANE Select); coding-DNA position 101, A replaced by C.
Protein change: p.Asp34Ala; replaces aspartic acid 34 with alanine.
Molecular consequence: missense variant.
Genome position (GRCh38, 1-based): chr12:66,596,882, T>G on the plus strand (A>C on the coding strand, the complement: GRIP1 is on the minus strand). VCF-style: chr12-66596882-T-G. GRCh37 (hg19) VCF-style: chr12-66990662-T-G.
Other names: c.101A>C, p.Asp34Ala (NM_001178074.2, NM_001379346.1, NM_021150.4); c.179A>C, p.Asp60Ala (NM_001366723.1, NM_001366724.1, NM_001379345.1 and 2 more transcripts); c.104A>C, p.Asp35Ala (NM_001379349.1, NM_001379351.1); short protein forms D34A, D35A, D60A.
Identifiers: ClinVar variation 3345471 (VCV003345471.1).